The following is an entry in ClinVar:

NM_003000.3(SDHB):c.398T>C (p.Met133Thr)

Gene: SDHB (succinate dehydrogenase complex iron sulfur subunit B; minus strand). Cytogenetic location: 1p36.13.
Variant type: single nucleotide variant.
Coding change: c.398T>C on transcript NM_003000.3 (MANE Select); coding-DNA position 398, T replaced by C.
Protein change: p.Met133Thr; replaces methionine 133 with threonine.
Molecular consequence: missense variant.
Genome position (GRCh38, 1-based): chr1:17,028,625, A>G on the plus strand (T>C on the coding strand, the complement: SDHB is on the minus strand). VCF-style: chr1-17028625-A-G. GRCh37 (hg19) VCF-style: chr1-17355120-A-G.
Other names: short protein forms M133T.
Identifiers: ClinVar variation 569759 (VCV000569759.12), dbSNP rs553392349, ClinGen allele CA089604.
Genomic context (GRCh38, chr1:17,028,625, plus strand): 5'-AATAAAAACAAAACCAGAGAGATGCAGAAACTCACGGGAACAAGATCCTTTATCACATAC[A>G]TGTGTGGAAGAGGGTAGATTTTTGAGACCTTATTGAGGTTGGTGTCAATCCTTCGGGTGC-3'
Protein context (NP_002991.2, residues 123-143): KVSKIYPLPH[Met133Thr]YVIKDLVPDL

ClinVar aggregate classification (germline): Uncertain significance. Review status: criteria provided, multiple submitters, no conflicts (2 of 4 stars). 3 submissions from 3 submitters: Uncertain significance (3). Last evaluated 2026-04-03.

Conditions:
Gastrointestinal stromal tumor. Also called: Gastrointestinal stromal tumor, somatic; Gastrointestinal stroma tumor. Identifiers: Orphanet 44890, MedGen C0238198, MeSH D046152, MONDO:0011719, OMIM 606764, HP:0100723.
Hereditary cancer-predisposing syndrome. Also called: Hereditary neoplastic syndrome; Neoplastic Syndromes, Hereditary; Hereditary Cancer Syndrome; Tumor predisposition. Identifiers: Orphanet 140162, MedGen C0027672, MeSH D009386, MONDO:0015356.
Pheochromocytoma. Also called: MAX-Related Hereditary Paraganglioma-Pheochromocytoma Syndrome. Identifiers: Orphanet 29072, MedGen C0031511, MONDO:0008233, OMIM 171300, HP:0002666.
Pheochromocytoma/paraganglioma syndrome 4. Also called: SDHB-Related Hereditary Paraganglioma-Pheochromocytoma Syndrome; PARAGANGLIOMA, FAMILIAL MALIGNANT; PARAGANGLIOMAS, HEREDITARY EXTRAADRENAL; PHEOCHROMOCYTOMA, FAMILIAL EXTRAADRENAL; Paragangliomas 4; CAROTID BODY TUMORS AND MULTIPLE EXTRAADRENAL PHEOCHROMOCYTOMAS. Identifiers: Orphanet 29072, MedGen C1861848, MONDO:0007273, OMIM 115310.

Allele frequency attached by ClinVar (database versions not stated): gnomAD exomes below 0.00001; ExAC 0.00001; gnomAD 0.00001; 1000 Genomes Project 30x 0.00016; 1000 Genomes Project 0.00020.

Submissions (3):

Ambry Genetics
Classification: Uncertain significance for Hereditary cancer-predisposing syndrome. Last evaluated: 2026-04-03. Review status: criteria provided, single submitter. Criteria: Ambry Variant Classification Scheme 2023. Collection method: clinical testing. Allele origin: germline.
Comment: The p.M133T variant (also known as c.398T>C), located in coding exon 4 of the SDHB gene, results from a T to C substitution at nucleotide position 398. The methionine at codon 133 is replaced by threonine, an amino acid with similar properties. This amino acid position is conserved. In addition, this alteration is predicted to be deleterious by in silico analysis. Based on the available evidence, the clinical significance of this alteration remains unclear.

Labcorp Genetics (formerly Invitae), Labcorp
Classification: Uncertain significance for Gastrointestinal stromal tumor; Pheochromocytoma/paraganglioma syndrome 4; Pheochromocytoma. Last evaluated: 2026-01-14. Review status: criteria provided, single submitter. Criteria: Invitae Variant Classification Sherloc (09022015). Collection method: clinical testing. Allele origin: germline.
Comment: This sequence change replaces methionine, which is neutral and non-polar, with threonine, which is neutral and polar, at codon 133 of the SDHB protein (p.Met133Thr). This variant is present in population databases (rs553392349, gnomAD 0.003%). This variant has not been reported in the literature in individuals affected with SDHB-related conditions. ClinVar contains an entry for this variant (Variation ID: 569759). Invitae Evidence Modeling of protein sequence and biophysical properties (such as structural, functional, and spatial information, amino acid conservation, physicochemical variation, residue mobility, and thermodynamic stability) indicates that this missense variant is not expected to disrupt SDHB protein function with a negative predictive value of 80%. In summary, the available evidence is currently insufficient to determine the role of this variant in disease. Therefore, it has been classified as a Variant of Uncertain Significance.

Baylor Genetics
Classification: Uncertain significance for Gastrointestinal stromal tumor. Last evaluated: 2023-12-29. Review status: criteria provided, single submitter. Criteria: ACMG Guidelines, 2015. Collection method: clinical testing. Allele origin: unknown.